The following is an entry in ClinVar:

NM_002047.4(GARS1):c.740A>G (p.Asp247Gly)

Gene: GARS1 (glycyl-tRNA synthetase 1; plus strand). Cytogenetic location: 7p14.3.
Variant type: single nucleotide variant.
Coding change: c.740A>G on transcript NM_002047.4 (MANE Select); coding-DNA position 740, A replaced by G.
Protein change: p.Asp247Gly; replaces aspartic acid 247 with glycine.
Molecular consequence: missense variant.
Genome position (GRCh38, 1-based): chr7:30,609,589, A>G. VCF-style: chr7-30609589-A-G. GRCh37 (hg19) VCF-style: chr7-30649205-A-G.
Other names: c.578A>G, p.Asp193Gly (NM_001316772.1); short protein forms D247G, D193G.
Identifiers: ClinVar variation 3571615 (VCV003571615.2).
Genomic context (GRCh38, chr7:30,609,589, plus strand): 5'-TATCTTATGCCTTGTTTTCTCTGTCTTTTACACTAATTTCTTTATATGTCTTTTAGCTTG[A>G]TAACTATGGACAGCAAGAACTTGCGGATCTTTTTGTGAACTATAATGTAAAATCTCCCAT-3'
Protein context (NP_002038.2, residues 237-257): SEMESVLAQL[Asp247Gly]NYGQQELADL

ClinVar aggregate classification (germline): Uncertain significance. Review status: criteria provided, multiple submitters, no conflicts (2 of 4 stars). 2 submissions from 2 submitters: Uncertain significance (2). Last evaluated 2026-08-18.

gnomAD v4.1: 2 of 1,612,470 alleles (0.00012%); highest among the groups gnomAD compares: South Asian, 0.0011%; no homozygotes.

Submissions (2):

Ambry Genetics
Classification: Uncertain significance. Last evaluated: 2026-08-18. Review status: criteria provided, single submitter. Criteria: Ambry Variant Classification Scheme 2023. Collection method: clinical testing. Allele origin: germline.

Athena Diagnostics
Classification: Uncertain significance. Last evaluated: 2024-05-21. Review status: criteria provided, single submitter. Criteria: Athena Diagnostics Criteria. Collection method: clinical testing. Allele origin: unknown.
Comment: Available data are insufficient to determine the clinical significance of the variant at this time. This variant has not been reported in large, multi-ethnic general populations. Polyphen and MutationTaster yielded discordant predictions regarding whether this amino acid change is damaging to the protein.